The following is an entry in ClinVar:

ClinVar aggregate classification (germline): Likely benign. Review status: criteria provided, multiple submitters, no conflicts (2 of 4 stars). 2 submissions from 2 submitters: Likely benign (2). Last evaluated 2016-11-01.

Allele frequency attached by ClinVar (database versions not stated): 1000 Genomes Project 30x 0.00031; TOPMed 0.00034; 1000 Genomes Project 0.00040; gnomAD 0.00040 and 0.00042; ESP Exome Variant Server 0.00046; gnomAD exomes 0.00057; ExAC 0.00058.
gnomAD v4.1: 1,079 of 1,612,512 alleles (0.067%); highest among the groups gnomAD compares: Non-Finnish European, 0.077%; 3 homozygotes.

Submissions (2):

GeneDx
Classification: Likely benign. Last evaluated: 2016-11-01. Review status: criteria provided, single submitter. Criteria: GeneDx Variant Classification (06012015). Collection method: clinical testing. Allele origin: germline. Affected: yes.
Comment: This variant is considered likely benign or benign based on one or more of the following criteria: it is a conservative change, it occurs at a poorly conserved position in the protein, it is predicted to be benign by multiple in silico algorithms, and/or has population frequency not consistent with disease.

Breakthrough Genomics
Classification: Likely benign. Review status: criteria provided, single submitter. Criteria: ACMG Guidelines, 2015. Collection method: not provided. Allele origin: germline. Inheritance: Autosomal recessive inheritance. Affected: yes.

NM_015261.3(NCAPD3):c.384C>T (p.Gly128=)

Gene: NCAPD3 (non-SMC condensin II complex subunit D3; minus strand). Cytogenetic location: 11q25.
Variant type: single nucleotide variant.
Coding change: c.384C>T on transcript NM_015261.3 (MANE Select); coding-DNA position 384, C replaced by T.
Protein change: p.Gly128=; no amino-acid change (glycine 128 retained).
Molecular consequence: synonymous variant. On other transcripts: 5 prime UTR variant (2).
Genome position (GRCh38, 1-based): chr11:134,210,453, G>A on the plus strand (C>T on the coding strand, the complement: NCAPD3 is on the minus strand). VCF-style: chr11-134210453-G-A. GRCh37 (hg19) VCF-style: chr11-134080347-G-A.
Other names: c.384C>T, p.Gly128= (NM_001372065.1, NM_001372068.1); c.-31C>T (NM_001372069.1, NM_001372070.1).
Identifiers: ClinVar variation 390377 (VCV000390377.2), dbSNP rs142896286, ClinGen allele CA6372004.